The following is an entry in ClinVar:

ClinVar aggregate classification (germline): Benign/Likely benign. Review status: criteria provided, multiple submitters, no conflicts (2 of 4 stars). 4 submissions from 4 submitters: Benign (3); Likely benign (1). Last evaluated 2025-09-01.

Allele frequency attached by ClinVar (database versions not stated): gnomAD exomes 0.00352 and 0.00488; gnomAD 0.00359 and 0.00372; ExAC 0.00371; TOPMed 0.00372; ESP Exome Variant Server 0.00500; 1000 Genomes Project 0.00180; 1000 Genomes Project 30x 0.00219.

Submissions (4):

CeGaT Center for Human Genetics Tuebingen
Classification: Likely benign. Last evaluated: 2025-09-01. Review status: criteria provided, single submitter. Criteria: CeGaT Center For Human Genetics Tuebingen Variant Classification Criteria Version 2. Collection method: clinical testing. Allele origin: germline. Affected: yes. Observed: 5 variant alleles.
Comment: EPO: BP4, BS2

Mayo Clinic Laboratories, Mayo Clinic
Classification: Benign. Last evaluated: 2023-08-15. Review status: criteria provided, single submitter. Criteria: ACMG Guidelines, 2015. Collection method: clinical testing. Allele origin: germline. Observed: 5 variant alleles.
Comment: BS1, BS2, BP4

Labcorp Genetics (formerly Invitae), Labcorp
Classification: Benign. Last evaluated: 2019-12-31. Review status: criteria provided, single submitter. Criteria: Invitae Variant Classification Sherloc (09022015). Collection method: clinical testing. Allele origin: germline.

Breakthrough Genomics
Classification: Benign. Review status: criteria provided, single submitter. Criteria: ACMG Guidelines, 2015. Collection method: not provided. Allele origin: germline. Inheritance: Autosomal recessive inheritance. Affected: yes.

NM_000799.4(EPO):c.341C>T (p.Pro114Leu)

Gene: EPO (erythropoietin; plus strand). Cytogenetic location: 7q22.1.
Variant type: single nucleotide variant.
Coding change: c.341C>T on transcript NM_000799.4 (MANE Select); coding-DNA position 341, C replaced by T.
Protein change: p.Pro114Leu; replaces proline 114 with leucine.
Molecular consequence: missense variant.
Genome position (GRCh38, 1-based): chr7:100,722,758, C>T. VCF-style: chr7-100722758-C-T. GRCh37 (hg19) VCF-style: chr7-100320381-C-T.
Other names: p.Pro114Leu; short protein forms P114L.
Identifiers: ClinVar variation 773891 (VCV000773891.30), dbSNP rs11976235, ClinGen allele CA4389528.
Genomic context (GRCh38, chr7:100,722,758, plus strand): 5'-TGGCCCTGCTGTCGGAAGCTGTCCTGCGGGGCCAGGCCCTGTTGGTCAACTCTTCCCAGC[C>T]GTGGGAGCCCCTGCAGCTGCATGTGGATAAAGCCGTCAGTGGCCTTCGCAGCCTCACCAC-3'
Protein context (NP_000790.2, residues 104-124): GQALLVNSSQ[Pro114Leu]WEPLQLHVDK